The following is an entry in ClinVar:

NM_000969.5(RPL5):c.412C>T (p.Gln138Ter)

Genes: DIPK1A (divergent protein kinase domain 1A; minus strand), RPL5 (ribosomal protein L5; plus strand). Cytogenetic location: 1p22.1.
Variant type: single nucleotide variant.
Coding change: c.412C>T on transcript NM_000969.5 (MANE Select); coding-DNA position 412, C replaced by T.
Protein change: p.Gln138Ter; replaces glutamine 138 with a stop codon.
Molecular consequence: nonsense. On other transcripts: non-coding transcript variant (1), intron variant (1).
Genome position (GRCh38, 1-based): chr1:92,836,277, C>T. VCF-style: chr1-92836277-C-T. GRCh37 (hg19) VCF-style: chr1-93301834-C-T.
Other names: c.475-3243G>A (NM_001252273.2); short protein forms Q138*.
Identifiers: ClinVar variation 1738073 (VCV001738073.2), dbSNP rs1190811369, ClinGen allele CA341242164.
Genomic context (GRCh38, chr1:92,836,277, plus strand): 5'-ATCTATGAAGGCCAAGTGGAGGTGACTGGTGATGAATACAATGTGGAAAGCATTGATGGT[C>T]AGCCAGGTGCCTTCACCTGCTATTTGGATGCAGGCCTTGCCAGAACTACCACTGGCAATA-3'

ClinVar aggregate classification (germline): Pathogenic (1 of 4 stars; one submission).

Conditions:
Diamond-Blackfan anemia. Also called: Aase syndrome; Blackfan Diamond syndrome; Aregenerative anemia chronic congenital; Red cell aplasia, pure hereditary; Congenital hypoplastic anemia. Identifiers: Orphanet 124, MedGen C1260899, MeSH D029503, MONDO:0015253, HP:0004810.

Submission:

Ambry Genetics
Classification: Pathogenic for Diamond-Blackfan anemia. Last evaluated: 2020-12-02. Review status: criteria provided, single submitter. Criteria: Ambry Variant Classification Scheme 2023. Collection method: clinical testing. Allele origin: germline.
Comment: The p.Q138* pathogenic mutation (also known as c.412C>T), located in coding exon 5 of the RPL5 gene, results from a C to T substitution at nucleotide position 412. This changes the amino acid from a glutamine to a stop codon within coding exon 5. This alteration is expected to result in loss of function by premature protein truncation or nonsense-mediated mRNA decay. As such, this alteration is interpreted as a disease-causing mutation.